The following is an entry in ClinVar:

NM_000435.3(NOTCH3):c.6241G>A (p.Gly2081Ser)

Gene: NOTCH3 (notch receptor 3; minus strand). Cytogenetic location: 19p13.12.
Variant type: single nucleotide variant.
Coding change: c.6241G>A on transcript NM_000435.3 (MANE Select); coding-DNA position 6241, G replaced by A.
Protein change: p.Gly2081Ser; replaces glycine 2081 with serine.
Molecular consequence: missense variant.
Genome position (GRCh38, 1-based): chr19:15,161,387, C>T on the plus strand (G>A on the coding strand, the complement: NOTCH3 is on the minus strand). VCF-style: chr19-15161387-C-T. GRCh37 (hg19) VCF-style: chr19-15272198-C-T.
Other names: short protein forms G2081S.
Identifiers: ClinVar variation 2684144 (VCV002684144.1), dbSNP rs774932838, ClinGen allele CA9262394.
Genomic context (GRCh38, chr19:15,161,387, plus strand): 5'-GCGACAGCGTGACCGAGCTGTCAGCCAGGGGGCCCGGGCAGGCCAGCGTCAGCTTCTTGC[C>T]CCGCCCCCGGGGCCCCTGCGGCCCCAGCCCCGCCTTCCCGGGGGGCCTCCTGCTCTTCTT-3'
Protein context (NP_000426.2, residues 2071-2091): GLGPQGPRGR[Gly2081Ser]KKLTLACPGP

ClinVar aggregate classification (germline): Uncertain significance (1 of 4 stars; one submission).

Allele frequency attached by ClinVar (database versions not stated): TOPMed below 0.00001; gnomAD exomes 0.00002.
gnomAD v4.1: 26 of 1,524,682 alleles (0.0017%); highest among the groups gnomAD compares: Non-Finnish European, 0.0023%; no homozygotes.

Submission:

Athena Diagnostics
Classification: Uncertain significance. Last evaluated: 2022-11-16. Review status: criteria provided, single submitter. Criteria: Athena Diagnostics Criteria. Collection method: clinical testing. Allele origin: unknown.
Comment: Available data are insufficient to determine the clinical significance of the variant at this time. This variant has not been reported in large, multi-ethnic general populations. Computational tools predict that this variant is not damaging.